The following is an entry in ClinVar:

NM_000441.2(SLC26A4):c.918+1G>C

Gene: SLC26A4 (solute carrier family 26 member 4; plus strand). Cytogenetic location: 7q22.3.
Variant type: single nucleotide variant.
Coding change: c.918+1G>C on transcript NM_000441.2 (MANE Select); the canonical splice donor site of the intron after coding-DNA position 918, G replaced by C.
Molecular consequence: splice donor variant.
Genome position (GRCh38, 1-based): chr7:107,683,355, G>C. VCF-style: chr7-107683355-G-C. GRCh37 (hg19) VCF-style: chr7-107323800-G-C.
Identifiers: ClinVar variation 1070057 (VCV001070057.9), dbSNP rs111033245, ClinGen allele CA368835552.

ClinVar aggregate classification (germline): Pathogenic (1 of 4 stars; one submission).

Allele frequency attached by ClinVar (database versions not stated): gnomAD exomes below 0.00001.
gnomAD v4.1: 1 of 1,613,442 alleles (0.000062%); highest among the groups gnomAD compares: Non-Finnish European, 0.000085%; no homozygotes.

Submission:

Labcorp Genetics (formerly Invitae), Labcorp
Classification: Pathogenic. Last evaluated: 2020-10-09. Review status: criteria provided, single submitter. Criteria: Invitae Variant Classification Sherloc (09022015). Collection method: clinical testing. Allele origin: germline.
Comment: This variant is not present in population databases (ExAC no frequency). For these reasons, this variant has been classified as Pathogenic. Donor and acceptor splice site variants typically lead to a loss of protein function (PMID: 16199547), and loss-of-function variants in SLC26A4 are known to be pathogenic (PMID: 16283880, 25394566, 26252218, 26445815). Algorithms developed to predict the effect of sequence changes on RNA splicing suggest that this variant may disrupt the consensus splice site, but this prediction has not been confirmed by published transcriptional studies. Disruption of this splice site has been observed in individual(s) with clinical features of Pendred syndrome (PMID: 9618166, 23918157). This sequence change affects a donor splice site in intron 7 of the SLC26A4 gene. It is expected to disrupt RNA splicing and likely results in an absent or disrupted protein product.

Literature cited by the submitters: PubMed 16199547; PubMed 16283880; PubMed 25394566; PubMed 26252218; PubMed 26445815; PubMed 9618166; PubMed 23918157.